The following is an entry in ClinVar:

NM_152564.5(VPS13B):c.3731G>T (p.Gly1244Val)

Gene: VPS13B (vacuolar protein sorting 13 homolog B; plus strand). Cytogenetic location: 8q22.2.
Variant type: single nucleotide variant.
Coding change: c.3731G>T on transcript NM_152564.5 (MANE Select); coding-DNA position 3731, G replaced by T.
Protein change: p.Gly1244Val; replaces glycine 1244 with valine.
Molecular consequence: missense variant.
Genome position (GRCh38, 1-based): chr8:99,481,663, G>T. VCF-style: chr8-99481663-G-T. GRCh37 (hg19) VCF-style: chr8-100493891-G-T.
Other names: c.3731G>T, p.Gly1244Val (NM_017890.5); short protein forms G1244V.
Identifiers: ClinVar variation 4985038 (VCV004985038.1).

ClinVar aggregate classification (germline): Uncertain significance (1 of 4 stars; one submission).

Conditions:
VPS13B-related disorder. Also called: VPS13B-related condition.

Submission:

PreventionGenetics, part of Exact Sciences
Classification: Uncertain significance for VPS13B-related condition. Last evaluated: 2025-07-02. Review status: criteria provided, single submitter. Criteria: ACMG Guidelines, 2015. Collection method: clinical testing. Allele origin: germline.
Comment: The VPS13B c.3731G>T variant is predicted to result in the amino acid substitution p.Gly1244Val. To our knowledge, this variant has not been reported in the literature or in a large population database (gnomAD), indicating this variant is rare. At this time, the clinical significance of this variant is uncertain due to the absence of conclusive functional and genetic evidence.